The following is an entry in ClinVar:

ClinVar aggregate classification (germline): Uncertain significance (1 of 4 stars; one submission).

Allele frequency attached by ClinVar (database versions not stated): gnomAD exomes 0.00001.
gnomAD v4.1: 4 of 1,579,530 alleles (0.00025%); highest among the groups gnomAD compares: Non-Finnish European, 0.00034%; no homozygotes.

Submission:

Labcorp Genetics (formerly Invitae), Labcorp
Classification: Uncertain significance. Last evaluated: 2022-06-27. Review status: criteria provided, single submitter. Criteria: Invitae Variant Classification Sherloc (09022015). Collection method: clinical testing. Allele origin: germline.
Comment: This sequence change replaces alanine, which is neutral and non-polar, with threonine, which is neutral and polar, at codon 2227 of the ADGRV1 protein (p.Ala2227Thr). The frequency data for this variant in the population databases is considered unreliable, as metrics indicate poor data quality at this position in the gnomAD database. This variant has not been reported in the literature in individuals affected with ADGRV1-related conditions. Algorithms developed to predict the effect of missense changes on protein structure and function are either unavailable or do not agree on the potential impact of this missense change (SIFT: "Deleterious"; PolyPhen-2: "Possibly Damaging"; Align-GVGD: "Class C0"). In summary, the available evidence is currently insufficient to determine the role of this variant in disease. Therefore, it has been classified as a Variant of Uncertain Significance.

NM_032119.4(ADGRV1):c.6679G>A (p.Ala2227Thr)

Gene: ADGRV1 (adhesion G protein-coupled receptor V1; plus strand). Cytogenetic location: 5q14.3.
Variant type: single nucleotide variant.
Coding change: c.6679G>A on transcript NM_032119.4 (MANE Select); coding-DNA position 6679, G replaced by A.
Protein change: p.Ala2227Thr; replaces alanine 2227 with threonine.
Molecular consequence: missense variant. On other transcripts: non-coding transcript variant (1).
Genome position (GRCh38, 1-based): chr5:90,690,049, G>A. VCF-style: chr5-90690049-G-A. GRCh37 (hg19) VCF-style: chr5-89985866-G-A.
Other names: short protein forms A2227T.
Identifiers: ClinVar variation 1360779 (VCV001360779.3), dbSNP rs1469555646, ClinGen allele CA360366912.
Genomic context (GRCh38, chr5:90,690,049, plus strand): 5'-AATGAAACAACAGGAGGAGCCAGACTAGGGGCTTTAACAGAGGCAGTCATTATTATTGAG[G>A]CCTCTGATGACCCCTATGGATTATTTGGTATGAAGACTAATTTATGTCTCTCTTTGACTT-3'
Protein context (NP_115495.3, residues 2217-2237): ALTEAVIIIE[Ala2227Thr]SDDPYGLFGF